The following is an entry in ClinVar:

NM_015909.4(NBAS):c.170G>A (p.Arg57Gln)

Gene: NBAS (NBAS subunit of NRZ tethering complex; minus strand). Cytogenetic location: 2p24.3.
Variant type: single nucleotide variant.
Coding change: c.170G>A on transcript NM_015909.4 (MANE Select); coding-DNA position 170, G replaced by A.
Protein change: p.Arg57Gln; replaces arginine 57 with glutamine.
Molecular consequence: missense variant. On other transcripts: non-coding transcript variant (1).
Genome position (GRCh38, 1-based): chr2:15,558,582, C>T on the plus strand (G>A on the coding strand, the complement: NBAS is on the minus strand). VCF-style: chr2-15558582-C-T. GRCh37 (hg19) VCF-style: chr2-15698706-C-T.
Other names: short protein forms R57Q.
Identifiers: ClinVar variation 1420371 (VCV001420371.4), dbSNP rs974995702, ClinGen allele CA345894483.

ClinVar aggregate classification (germline): Uncertain significance (1 of 4 stars; one submission).

Allele frequency attached by ClinVar (database versions not stated): gnomAD exomes below 0.00001.

Submission:

Labcorp Genetics (formerly Invitae), Labcorp
Classification: Uncertain significance. Last evaluated: 2023-10-18. Review status: criteria provided, single submitter. Criteria: Invitae Variant Classification Sherloc (09022015). Collection method: clinical testing. Allele origin: germline.
Comment: This sequence change replaces arginine, which is basic and polar, with glutamine, which is neutral and polar, at codon 57 of the NBAS protein (p.Arg57Gln). This variant is not present in population databases (gnomAD no frequency). This variant has not been reported in the literature in individuals affected with NBAS-related conditions. ClinVar contains an entry for this variant (Variation ID: 1420371). An algorithm developed to predict the effect of missense changes on protein structure and function (PolyPhen-2) suggests that this variant¬†is likely to be tolerated. In summary, the available evidence is currently insufficient to determine the role of this variant in disease. Therefore, it has been classified as a Variant of Uncertain Significance.